The following is an entry in ClinVar:

NM_000135.4(FANCA):c.3062T>G (p.Leu1021Trp)

Gene: FANCA (FA complementation group A; minus strand). Cytogenetic location: 16q24.3.
Variant type: single nucleotide variant.
Coding change: c.3062T>G on transcript NM_000135.4 (MANE Select); coding-DNA position 3062, T replaced by G.
Protein change: p.Leu1021Trp; replaces leucine 1021 with tryptophan.
Molecular consequence: missense variant.
Genome position (GRCh38, 1-based): chr16:89,752,142, A>C on the plus strand (T>G on the coding strand, the complement: FANCA is on the minus strand). VCF-style: chr16-89752142-A-C. GRCh37 (hg19) VCF-style: chr16-89818550-A-C.
Other names: c.3062T>G (LRG_495t1); c.3062T>G, p.Leu1021Trp (NM_001286167.3); short protein forms L1021W.
Identifiers: ClinVar variation 577271 (VCV000577271.6), dbSNP rs891626452, ClinGen allele CA397425910.
Genomic context (GRCh38, chr16:89,752,142, plus strand): 5'-ATAGCACGCGGCTTAAATGAAGTGAATGCACTGAGTTGTGGCACCCTCAAACTCACCTGC[A>C]ATCTGGAAATAATATCCTCATTTCCTGTGCGGCCACCAAAGACCAAATCAGAATTTTCTG-3'
Protein context (NP_000126.2, residues 1011-1031): RTGNEDIISR[Leu1021Trp]QEMVADLELQ

ClinVar aggregate classification (germline): Uncertain significance (1 of 4 stars; one submission).

Conditions:
Fanconi anemia (FA). Also called: Fanconi's anemia. Identifiers: Orphanet 84, MedGen C0015625, MeSH D005199, MONDO:0019391.

gnomAD v4.1: 2 of 1,613,982 alleles (0.00012%); highest among the groups gnomAD compares: Non-Finnish European, 0.00017%; no homozygotes.

Submission:

Labcorp Genetics (formerly Invitae), Labcorp
Classification: Uncertain significance for Fanconi anemia. Last evaluated: 2021-08-24. Review status: criteria provided, single submitter. Criteria: Invitae Variant Classification Sherloc (09022015). Collection method: clinical testing. Allele origin: germline.
Comment: This sequence change replaces leucine with tryptophan at codon 1021 of the FANCA protein (p.Leu1021Trp). The leucine residue is highly conserved and there is a small physicochemical difference between leucine and tryptophan. This variant is not present in population databases (ExAC no frequency). This variant has not been reported in the literature in individuals affected with FANCA-related conditions. Algorithms developed to predict the effect of missense changes on protein structure and function are either unavailable or do not agree on the potential impact of this missense change (SIFT: "Deleterious"; PolyPhen-2: "Possibly Damaging"; Align-GVGD: "Class C15"). In summary, the available evidence is currently insufficient to determine the role of this variant in disease. Therefore, it has been classified as a Variant of Uncertain Significance.